The following is an entry in ClinVar:

NM_024334.3(TMEM43):c.548C>T (p.Pro183Leu)

Gene: TMEM43 (transmembrane protein 43; plus strand). Cytogenetic location: 3p25.1.
Variant type: single nucleotide variant.
Coding change: c.548C>T on transcript NM_024334.3 (MANE Select); coding-DNA position 548, C replaced by T.
Protein change: p.Pro183Leu; replaces proline 183 with leucine.
Molecular consequence: missense variant.
Genome position (GRCh38, 1-based): chr3:14,133,774, C>T. VCF-style: chr3-14133774-C-T. GRCh37 (hg19) VCF-style: chr3-14175274-C-T.
Other names: short protein forms P183L.
Identifiers: ClinVar variation 630102 (VCV000630102.13), dbSNP rs746116143, ClinGen allele CA351535339.

ClinVar aggregate classification (germline): Uncertain significance. Review status: criteria provided, multiple submitters, no conflicts (2 of 4 stars). 3 submissions from 3 submitters: Uncertain significance (3). Last evaluated 2024-01-22.

Conditions:
Arrhythmogenic right ventricular dysplasia 5. Also called: Arrhythmogenic Right Ventricular Dysplasia/Cardiomyopathy 5; ARRHYTHMOGENIC RIGHT VENTRICULAR DYSPLASIA, FAMILIAL, 5. Identifiers: MedGen C1858379, MONDO:0011459, OMIM 604400.
Cardiomyopathy (CMYO). Also called: Cardiomyopathies. Identifiers: Orphanet 167848, MedGen C0878544, MONDO:0004994, HP:0001638. Inheritance: Various modes of inheritance.

gnomAD v4.1: 1 of 1,614,162 alleles (0.000062%); highest among the groups gnomAD compares: Non-Finnish European, 0.000085%; no homozygotes.

Submissions (3):

Labcorp Genetics (formerly Invitae), Labcorp
Classification: Uncertain significance for Arrhythmogenic right ventricular dysplasia 5. Last evaluated: 2024-01-22. Review status: criteria provided, single submitter. Criteria: Invitae Variant Classification Sherloc (09022015). Collection method: clinical testing. Allele origin: germline.
Comment: This sequence change replaces proline, which is neutral and non-polar, with leucine, which is neutral and non-polar, at codon 183 of the TMEM43 protein (p.Pro183Leu). This variant is present in population databases (no rsID available, gnomAD 0.0009%). This variant has not been reported in the literature in individuals affected with TMEM43-related conditions. ClinVar contains an entry for this variant (Variation ID: 630102). Advanced modeling of protein sequence and biophysical properties (such as structural, functional, and spatial information, amino acid conservation, physicochemical variation, residue mobility, and thermodynamic stability) has been performed at Invitae for this missense variant, however the output from this modeling did not meet the statistical confidence thresholds required to predict the impact of this variant on TMEM43 protein function. In summary, the available evidence is currently insufficient to determine the role of this variant in disease. Therefore, it has been classified as a Variant of Uncertain Significance.

Color Diagnostics, LLC DBA Color Health
Classification: Uncertain significance for Cardiomyopathy. Last evaluated: 2023-12-04. Review status: criteria provided, single submitter. Criteria: ACMG Guidelines, 2015. Collection method: clinical testing. Allele origin: germline.
Comment: This missense variant replaces proline with leucine at codon 183 of the TMEM43 protein. Computational prediction tools and conservation analyses are inconclusive regarding the impact of this variant on the protein function. Computational splicing tools suggest that this variant may not impact RNA splicing. To our knowledge, functional assays have not been performed for this variant nor has this variant been reported in individuals affected with cardiovascular disorders in the literature. This variant has been identified in 1/251474 chromosomes in the general population by the Genome Aggregation Database (gnomAD). Available evidence is insufficient to determine the role of this variant in disease conclusively. Therefore, this variant is classified as a Variant of Uncertain Significance.

All of Us Research Program, National Institutes of Health
Classification: Uncertain significance for Arrhythmogenic right ventricular dysplasia 5. Last evaluated: 2023-03-28. Review status: criteria provided, single submitter. Criteria: ACMG Guidelines, 2015. Collection method: clinical testing. Allele origin: germline. Inheritance: Autosomal dominant inheritance. Observed: 1 variant allele, 1 heterozygote.
Comment: This missense variant replaces proline with leucine at codon 183 of the TMEM43 protein. Computational prediction tools and conservation analyses are inconclusive regarding the impact of this variant on the protein function. Computational splicing tools suggest that this variant may not impact RNA splicing. To our knowledge, functional assays have not been performed for this variant nor has this variant been reported in individuals affected with cardiovascular disorders in the literature. This variant has been identified in 1/251474 chromosomes in the general population by the Genome Aggregation Database (gnomAD). Available evidence is insufficient to determine the role of this variant in disease conclusively. Therefore, this variant is classified as a Variant of Uncertain Significance.

This study involves interpretation of variants in research participants for the purpose of population health screening. Participant phenotype was not available at the time of variant classification. Additional details can be found in publication PMID: 35346344, PMCID: PMC8962531